The following is an entry in ClinVar:

NM_001111.5(ADAR):c.3124C>T (p.Arg1042Cys)

Gene: ADAR (adenosine deaminase RNA specific; minus strand). Cytogenetic location: 1q21.3.
Variant type: single nucleotide variant.
Coding change: c.3124C>T on transcript NM_001111.5 (MANE Select); coding-DNA position 3124, C replaced by T.
Protein change: p.Arg1042Cys; replaces arginine 1042 with cysteine.
Molecular consequence: missense variant.
Genome position (GRCh38, 1-based): chr1:154,586,259, G>A on the plus strand (C>T on the coding strand, the complement: ADAR is on the minus strand). VCF-style: chr1-154586259-G-A. GRCh37 (hg19) VCF-style: chr1-154558735-G-A.
Other names: c.2239C>T, p.Arg747Cys (NM_001025107.3, NM_001193495.2, NM_001365046.1 and 2 more transcripts); c.3151C>T, p.Arg1051Cys (NM_001365045.1); c.2161C>T, p.Arg721Cys (NM_001365049.1); c.3046C>T, p.Arg1016Cys (NM_015840.4); c.2989C>T, p.Arg997Cys (NM_015841.4); short protein forms R1016C, R1042C, R1051C, R721C, R747C, R997C.
Identifiers: ClinVar variation 1334989 (VCV001334989.41), dbSNP rs779004315, ClinGen allele CA1131046.

ClinVar aggregate classification (germline): Conflicting classifications of pathogenicity. Review status: criteria provided, conflicting classifications (1 of 4 stars). 3 submissions from 3 submitters: Likely pathogenic (1); Uncertain significance (2). Last evaluated 2025-10-26.

Conditions:
Symmetrical dyschromatosis of extremities (DSH). Also called: RETICULATE ACROPIGMENTATION OF DOHI; SYMMETRIC DYSCHROMATOSIS OF THE EXTREMITIES; DYSCHROMATOSIS SYMMETRICA HEREDITARIA 1; Dyschromatosis symmetrica hereditaria. Identifiers: Orphanet 41, MedGen C0406775, MONDO:0007483, OMIM 127400.
Aicardi-Goutieres syndrome 6 (AGS6). Identifiers: Orphanet 51, MedGen C3539013, MONDO:0014007, OMIM 615010.

Allele frequency attached by ClinVar (database versions not stated): gnomAD exomes below 0.00001.
gnomAD v4.1: 6 of 1,614,190 alleles (0.00037%); highest among the groups gnomAD compares: Admixed American, 0.0017%; no homozygotes.

Submissions (3):

Labcorp Genetics (formerly Invitae), Labcorp
Classification: Uncertain significance for Aicardi-Goutieres syndrome 6; Symmetrical dyschromatosis of extremities. Last evaluated: 2025-10-26. Review status: criteria provided, single submitter. Criteria: Invitae Variant Classification Sherloc (09022015). Collection method: clinical testing. Allele origin: germline.
Comment: This sequence change replaces arginine, which is basic and polar, with cysteine, which is neutral and slightly polar, at codon 1042 of the ADAR protein (p.Arg1042Cys). This variant is present in population databases (rs779004315, gnomAD 0.003%). This missense change has been observed in individual(s) with autosomal dominant dyschromatosis symmetrica hereditaria and autosomal recessive Aicardi‑Goutieres syndrome (PMID: 20069304, 35551623). ClinVar contains an entry for this variant (Variation ID: 1334989). Invitae Evidence Modeling of protein sequence and biophysical properties (such as structural, functional, and spatial information, amino acid conservation, physicochemical variation, residue mobility, and thermodynamic stability) has been performed for this missense variant. However, the output from this modeling did not meet the statistical confidence thresholds required to predict the impact of this variant on ADAR protein function. This variant disrupts the p.Arg1042 amino acid residue in ADAR. Other variant(s) that disrupt this residue have been determined to be pathogenic (PMID: 17569068). This suggests that this residue is clinically significant, and that variants that disrupt this residue are likely to be disease-causing. In summary, the available evidence is currently insufficient to determine the role of this variant in disease. Therefore, it has been classified as a Variant of Uncertain Significance.

CeGaT Center for Human Genetics Tuebingen
Classification: Likely pathogenic. Last evaluated: 2021-12-01. Review status: criteria provided, single submitter. Criteria: CeGaT Center For Human Genetics Tuebingen Variant Classification Criteria Version 2. Collection method: clinical testing. Allele origin: germline. Affected: yes. Observed: 1 variant allele.

Blueprint Genetics
Classification: Uncertain significance. Last evaluated: 2020-08-31. Review status: criteria provided, single submitter. Criteria: ACMG Guidelines, 2015. Collection method: clinical testing. Allele origin: germline.

Literature cited by the submitters: PubMed 20069304 (cited by Labcorp Genetics (formerly Invitae), Labcorp); PubMed 35551623 (cited by Labcorp Genetics (formerly Invitae), Labcorp); PubMed 17569068 (cited by Labcorp Genetics (formerly Invitae), Labcorp).